The following is an entry in ClinVar:

ClinVar aggregate classification (germline): Uncertain significance. Review status: criteria provided, single submitter (1 of 4 stars). 2 submissions from 2 submitters: Uncertain significance (1). 1 of the submissions does not count toward it. Last evaluated 2022-04-23.

Conditions:
Paget disease of bone 2, early-onset (PDB2). Also called: Paget disease of bone 2. Identifiers: MedGen C4085251, MONDO:0011183, OMIM 602080.
Frontotemporal dementia and/or amyotrophic lateral sclerosis 1 (FTDALS1). Also called: Frontotemporal dementia with motor neuron disease 1; C9orf72 Frontotemporal Dementia and/or Amyotrophic Lateral Sclerosis. Identifiers: Orphanet 275872, MedGen C5779877, MONDO:0007105, OMIM 105550.

Allele frequency attached by ClinVar (database versions not stated): gnomAD exomes 0.00001.
gnomAD v4.1: 4 of 1,556,340 alleles (0.00026%); highest among the groups gnomAD compares: Non-Finnish European, 0.00034%; no homozygotes.

Submissions (2):

Labcorp Genetics (formerly Invitae), Labcorp
Classification: Uncertain significance for Paget disease of bone 2, early-onset; Frontotemporal dementia and/or amyotrophic lateral sclerosis 1. Last evaluated: 2022-04-23. Review status: criteria provided, single submitter. Criteria: Invitae Variant Classification Sherloc (09022015). Collection method: clinical testing. Allele origin: germline.
Comment: Algorithms developed to predict the effect of missense changes on protein structure and function (SIFT, PolyPhen-2, Align-GVGD) all suggest that this variant is likely to be tolerated. In summary, the available evidence is currently insufficient to determine the role of this variant in disease. Therefore, it has been classified as a Variant of Uncertain Significance. ClinVar contains an entry for this variant (Variation ID: 1049299). This sequence change replaces alanine, which is neutral and non-polar, with serine, which is neutral and polar, at codon 33 of the SQSTM1 protein (p.Ala33Ser). This variant is present in population databases (no rsID available, gnomAD 0.001%). This variant has not been reported in the literature in individuals affected with SQSTM1-related conditions.

Department of Pathology and Laboratory Medicine, Sinai Health System
Classification: Uncertain significance. Review status: no assertion criteria provided. Collection method: clinical testing. Allele origin: unknown. Affected: yes. Study: The Canadian Open Genetics Repository (COGR). Not counted in ClinVar's aggregate classification.
Comment: The SQSTM1 p.Ala33Ser variant was not identified in the literature nor was it identified in ClinVar. The variant was identified in dbSNP (ID: rs1156716975) and in control databases in 1 of 170366 chromosomes at a frequency of 0.00000587 (Genome Aggregation Database March 6, 2019, v2.1.1). The variant was observed in the European (non-Finnish) population in 1 of 77396 chromosomes (freq: 0.000013), but was not observed in the African, Latino, Ashkenazi Jewish, East Asian, European (Finnish), Other, or South Asian populations. The p.Ala33 residue is conserved across mammals and other organisms however four out of five computational analyses (PolyPhen-2, SIFT, AlignGVGD, BLOSUM, MutationTaster) do not suggest a high likelihood of impact to the protein; this information is not predictive enough to rule out pathogenicity. The variant occurs outside of the splicing consensus sequence and in silico or computational prediction software programs (SpliceSiteFinder, MaxEntScan, NNSPLICE, GeneSplicer) do not predict a difference in splicing. In summary, based on the above information the clinical significance of this variant cannot be determined with certainty at this time. This variant is classified as a variant of uncertain significance.

NM_003900.5(SQSTM1):c.97G>T (p.Ala33Ser)

Gene: SQSTM1 (sequestosome 1; plus strand). Cytogenetic location: 5q35.3.
Variant type: single nucleotide variant.
Coding change: c.97G>T on transcript NM_003900.5 (MANE Select); coding-DNA position 97, G replaced by T.
Protein change: p.Ala33Ser; replaces alanine 33 with serine.
Molecular consequence: missense variant. On other transcripts: intron variant (2).
Genome position (GRCh38, 1-based): chr5:179,821,033, G>T. VCF-style: chr5-179821033-G-T. GRCh37 (hg19) VCF-style: chr5-179248033-G-T.
Other names: c.-47-1925G>T (NM_001142298.2, NM_001142299.2); short protein forms A33S.
Identifiers: ClinVar variation 1049299 (VCV001049299.6), dbSNP rs1156716975, ClinGen allele CA362442354.
Genomic context (GRCh38, chr5:179,821,033, plus strand): 5'-AAGGAGGACGCGGCGCGCGAGATTCGCCGCTTCAGCTTCTGCTGCAGCCCCGAGCCTGAG[G>T]CGGAAGCCGAGGCTGCGGCGGGTCCGGGACCCTGCGAGCGGCTGCTGAGCCGGGTGGCCG-3'
Protein context (NP_003891.1, residues 23-43): FSFCCSPEPE[Ala33Ser]EAEAAAGPGP